The following is an entry in ClinVar:

ClinVar aggregate classification (germline): Uncertain significance. Review status: criteria provided, multiple submitters, no conflicts (2 of 4 stars). 3 submissions from 3 submitters: Uncertain significance (3). Last evaluated 2024-03-14.

Conditions:
Cardiovascular phenotype. Identifiers: MedGen CN230736.
Short QT syndrome type 1. Identifiers: Orphanet 51083, MedGen C1865020, MONDO:0012312, OMIM 609620.
Long QT syndrome 2 (LQT2). Identifiers: Orphanet 101016, Orphanet 768, MedGen C3150943, MONDO:0013367, OMIM 613688.
Long QT syndrome (LQTS). Identifiers: MedGen C0023976, MeSH D008133, MONDO:0002442. Disease mechanism: loss of function. Inheritance: Various modes of inheritance.

Allele frequency attached by ClinVar (database versions not stated): gnomAD exomes below 0.00001; ExAC 0.00001.
gnomAD v4.1: 4 of 1,614,246 alleles (0.00025%); highest among the groups gnomAD compares: Non-Finnish European, 0.00034%; no homozygotes.

Submissions (3):

Ambry Genetics
Classification: Uncertain significance for Cardiovascular phenotype. Last evaluated: 2024-03-14. Review status: criteria provided, single submitter. Criteria: Ambry Variant Classification Scheme 2023. Collection method: clinical testing. Allele origin: germline.
Comment: The p.S624N variant (also known as c.1871G>A), located in coding exon 7 of the KCNH2 gene, results from a G to A substitution at nucleotide position 1871. The serine at codon 624 is replaced by asparagine, an amino acid with highly similar properties. This alteration impacts the highly conserved ion selectivity filter (SVGFGN) located between transmembrane helices S5 and S6. Based on internal structural analysis, p.S624N decreases the structural stability of this motif (Ambry internal data; Wang W et al. Cell, 2017 04;169:422-430.e10). This amino acid position is highly conserved in available vertebrate species. In addition, this alteration is predicted to be deleterious by in silico analysis. Based on the available evidence, the clinical significance of this alteration remains unclear.

Labcorp Genetics (formerly Invitae), Labcorp
Classification: Uncertain significance for Long QT syndrome. Last evaluated: 2021-11-11. Review status: criteria provided, single submitter. Criteria: Invitae Variant Classification Sherloc (09022015). Collection method: clinical testing. Allele origin: germline.
Comment: This sequence change replaces serine, which is neutral and polar, with asparagine, which is neutral and polar, at codon 624 of the KCNH2 protein (p.Ser624Asn). This variant is present in population databases (rs777410293, gnomAD 0.0009%). This variant has not been reported in the literature in individuals affected with KCNH2-related conditions. Algorithms developed to predict the effect of missense changes on protein structure and function are either unavailable or do not agree on the potential impact of this missense change (SIFT: "Deleterious"; PolyPhen-2: "Probably Damaging"; Align-GVGD: "Class C0"). In summary, the available evidence is currently insufficient to determine the role of this variant in disease. Therefore, it has been classified as a Variant of Uncertain Significance.

Fulgent Genetics
Classification: Uncertain significance for Short QT syndrome type 1; Long QT syndrome 2. Last evaluated: 2021-07-09. Review status: criteria provided, single submitter. Criteria: ACMG Guidelines, 2015. Collection method: clinical testing. Allele origin: unknown.

Literature cited by the submitters: PubMed 18690032 (cited by Ambry Genetics); PubMed 28431243 (cited by Ambry Genetics).

NM_000238.4(KCNH2):c.1871G>A (p.Ser624Asn)

Gene: KCNH2 (potassium voltage-gated channel subfamily H member 2; minus strand). Cytogenetic location: 7q36.1.
Variant type: single nucleotide variant.
Coding change: c.1871G>A on transcript NM_000238.4 (MANE Select); coding-DNA position 1871, G replaced by A.
Protein change: p.Ser624Asn; replaces serine 624 with asparagine.
Molecular consequence: missense variant.
Genome position (GRCh38, 1-based): chr7:150,951,522, C>T on the plus strand (G>A on the coding strand, the complement: KCNH2 is on the minus strand). VCF-style: chr7-150951522-C-T. GRCh37 (hg19) VCF-style: chr7-150648610-C-T.
Other names: c.851G>A, p.Ser284Asn (NM_001204798.2, NM_172057.3); c.1583G>A, p.Ser528Asn (NM_001406753.1, NM_001406756.1); c.1694G>A, p.Ser565Asn (NM_001406755.1); c.1571G>A, p.Ser524Asn (NM_001406757.1); c.1871G>A, p.Ser624Asn (NM_172056.3); short protein forms S284N, S624N, S565N, S528N, S524N.
Identifiers: ClinVar variation 1369798 (VCV001369798.7), dbSNP rs777410293, ClinGen allele CA029606.